The following is an entry in ClinVar:

NM_000127.3(EXT1):c.715A>T (p.Lys239Ter)

Gene: EXT1 (exostosin glycosyltransferase 1; minus strand). Cytogenetic location: 8q24.11.
Variant type: single nucleotide variant.
Coding change: c.715A>T on transcript NM_000127.3 (MANE Select); coding-DNA position 715, A replaced by T.
Protein change: p.Lys239Ter; replaces lysine 239 with a stop codon.
Molecular consequence: nonsense.
Genome position (GRCh38, 1-based): chr8:118,110,332, T>A on the plus strand (A>T on the coding strand, the complement: EXT1 is on the minus strand). VCF-style: chr8-118110332-T-A. GRCh37 (hg19) VCF-style: chr8-119122571-T-A.
Other names: short protein forms K239*.
Identifiers: ClinVar variation 4728120 (VCV004728120.1).

ClinVar aggregate classification (germline): Pathogenic (1 of 4 stars; one submission).

Conditions:
Multiple congenital exostosis (EXT). Also called: Multiple exostoses; MULTIPLE CARTILAGINOUS EXOSTOSES; Hereditary multiple exostoses; Hereditary multiple exostosis; Multiple osteochondromas; Hereditary multiple osteochondromas. Identifiers: Orphanet 321, MedGen C0015306, MONDO:0005508, HP:0002762.

Submission:

Labcorp Genetics (formerly Invitae), Labcorp
Classification: Pathogenic for Multiple congenital exostosis. Last evaluated: 2025-09-29. Review status: criteria provided, single submitter. Criteria: Invitae Variant Classification Sherloc (09022015). Collection method: clinical testing. Allele origin: germline.
Comment: This sequence change creates a premature translational stop signal (p.Lys239*) in the EXT1 gene. It is expected to result in an absent or disrupted protein product. Loss-of-function variants in EXT1 are known to be pathogenic (PMID: 10679937, 11391482, 19810120). This variant is not present in population databases (gnomAD no frequency). This variant has not been reported in the literature in individuals affected with EXT1-related conditions. Algorithms developed to predict the effect of sequence changes on RNA splicing suggest that this variant may create or strengthen a splice site. For these reasons, this variant has been classified as Pathogenic.

Literature cited by the submitters: PubMed 10679937; PubMed 11391482; PubMed 19810120.